The following is an entry in ClinVar:

NM_005336.6(HDLBP):c.1889C>G (p.Thr630Arg)

Gene: HDLBP (high density lipoprotein binding protein; minus strand). Cytogenetic location: 2q37.3.
Variant type: single nucleotide variant.
Coding change: c.1889C>G on transcript NM_005336.6 (MANE Select); coding-DNA position 1889, C replaced by G.
Protein change: p.Thr630Arg; replaces threonine 630 with arginine.
Molecular consequence: missense variant.
Genome position (GRCh38, 1-based): chr2:241,246,813, G>C on the plus strand (C>G on the coding strand, the complement: HDLBP is on the minus strand). VCF-style: chr2-241246813-G-C. GRCh37 (hg19) VCF-style: chr2-242186228-G-C.
Other names: c.1790C>G, p.Thr597Arg (NM_001243900.3); c.1889C>G, p.Thr630Arg (NM_001320965.3, NM_001320966.3, NM_001320967.3 and 1 more transcripts); short protein forms T597R, T630R.
Identifiers: ClinVar variation 4675245 (VCV004675245.3).
Genomic context (GRCh38, chr2:241,246,813, plus strand): 5'-AGGTCTTTCTGAATAGACAGAATCCTGCTCCGGGCAGCTTCGCAGTTGGCTCGCTTGCCT[G>C]TGATGATAATGGTCTCTGAATTGCTATTCTCTGCTGGAAGGTCGATTTTGGTGTTGCTTT-3'
Protein context (NP_005327.1, residues 620-640): ENSNSETIII[Thr630Arg]GKRANCEAAR

ClinVar aggregate classification (germline): Uncertain significance. Review status: criteria provided, multiple submitters, no conflicts (2 of 4 stars). 2 submissions from 2 submitters: Uncertain significance (2). Last evaluated 2025-10-29.

gnomAD v4.1: 8 of 1,614,014 alleles (0.0005%); highest among the groups gnomAD compares: East Asian, 0.0022%; no homozygotes.

Submissions (2):

Ambry Genetics
Classification: Uncertain significance. Last evaluated: 2025-10-29. Review status: criteria provided, single submitter. Criteria: Ambry Variant Classification Scheme 2023. Collection method: clinical testing. Allele origin: germline.

Dasa
Classification: Uncertain significance. Last evaluated: 2024-10-30. Review status: criteria provided, single submitter. Criteria: DASA Assertion Criteria. Collection method: clinical testing. Allele origin: germline.
Comment: NM_005336.6(HDLBP):c.1889C>G (p.Thr630Arg) is a missense variant that results in the substitution of threonine with arginine. This variant is rare in population databases. The currently available literature and clinical evidence are not sufficient to establish a definitive association between this variant and the reported condition. Therefore, this variant is classified as a variant of uncertain significance.